The following is an entry in ClinVar:

NM_031885.5(BBS2):c.365_369delinsTCCTTTTACTTTTCTTAG (p.Ala122fs)

Gene: BBS2 (Bardet-Biedl syndrome 2; minus strand). Cytogenetic location: 16q13.
Variant type: Indel.
Coding change: c.365_369delinsTCCTTTTACTTTTCTTAG on transcript NM_031885.5 (MANE Select); coding-DNA positions 365 to 369, CAATT replaced by TCCTTTTACTTTTCTTAG.
Protein change: p.Ala122fs; shifts the reading frame from alanine 122.
Molecular consequence: frameshift variant. On other transcripts: non-coding transcript variant (5).
Genome position (GRCh38, 1-based): chr16:56,511,261-56,511,265, AATTG replaced by CTAAGAAAAGTAAAAGGA on the plus strand (CAATT replaced by TCCTTTTACTTTTCTTAG on the coding strand, the reverse complement: BBS2 is on the minus strand). VCF-style: chr16-56511261-AATTG-CTAAGAAAAGTAAAAGGA. GRCh37 (hg19) VCF-style: chr16-56545173-AATTG-CTAAGAAAAGTAAAAGGA.
Other names: c.365_369delinsTCCTTTTACTTTTCTTAG, p.Ala122fs (NM_001377456.1); short protein forms A122fs.
Identifiers: ClinVar variation 3348187 (VCV003348187.1).

ClinVar aggregate classification (germline): Likely pathogenic (0 of 4 stars; one submission).

Conditions:
BBS2-related disorder. Also called: BBS2-related disorders; BBS2-related condition. Identifiers: MedGen CN239228.

Submission:

PreventionGenetics, part of Exact Sciences
Classification: Likely pathogenic for BBS2-related condition. Last evaluated: 2024-07-22. Review status: no assertion criteria provided. Collection method: clinical testing. Allele origin: germline.
Comment: The BBS2 c.365_369delinsTCCTTTTACTTTTCTTAG variant is predicted to result in a frameshift and premature protein termination (p.Ala122Valfs*33). To our knowledge, this variant has not been reported in the literature or in a large population database, indicating this variant is rare. Frameshift variants in BBS2 are expected to be pathogenic. This variant is interpreted as likely pathogenic.